The following is an entry in ClinVar:

NM_001032283.3(TMPO):c.308G>A (p.Arg103Lys)

Gene: TMPO (thymopoietin; plus strand). Cytogenetic location: 12q23.1.
Variant type: single nucleotide variant.
Coding change: c.308G>A on transcript NM_001032283.3 (MANE Select); coding-DNA position 308, G replaced by A.
Protein change: p.Arg103Lys; replaces arginine 103 with lysine.
Molecular consequence: missense variant.
Genome position (GRCh38, 1-based): chr12:98,527,914, G>A. VCF-style: chr12-98527914-G-A. GRCh37 (hg19) VCF-style: chr12-98921692-G-A.
Other names: c.308G>A, p.Arg103Lys (NM_001032284.3, NM_001307975.2, NM_003276.2); short protein forms R103K.
Identifiers: ClinVar variation 2447967 (VCV002447967.3), dbSNP rs1361401032, ClinGen allele CA386150753.
Genomic context (GRCh38, chr12:98,527,914, plus strand): 5'-ATATGGAAATGATTACTGGACTTTGTTTACAGAAAGCCACAAAAAAAACTGATAAACCCA[G>A]ACAAGAAGATAAAGATGATCTAGATGTAACAGAGCTCACTAATGAAGATCTTTTGGATCA-3'
Protein context (NP_001027454.1, residues 93-113): RKATKKTDKP[Arg103Lys]QEDKDDLDVT

ClinVar aggregate classification (germline): Uncertain significance. Review status: criteria provided, multiple submitters, no conflicts (2 of 4 stars). 2 submissions from 2 submitters: Uncertain significance (2). Last evaluated 2025-05-09.

Conditions:
Loeys-Dietz syndrome 2 (LDS2). Also called: TGFBR2-Related Loeys-Dietz Syndrome; Marfan Syndrome type 2; Marfan like connective tissue disorder; MFS 2; Marfan syndrome, type 2 (formerly); AORTIC ANEURYSM, FAMILIAL THORACIC 3. Identifiers: Orphanet 284973, Orphanet 558, MedGen C2674574, MONDO:0012427, OMIM 610168.

gnomAD v4.1: 2 of 1,613,824 alleles (0.00012%); highest among the groups gnomAD compares: Non-Finnish European, 0.00017%; no homozygotes.

Submissions (2):

Labcorp Genetics (formerly Invitae), Labcorp
Classification: Uncertain significance for Loeys-Dietz syndrome 2. Last evaluated: 2025-05-09. Review status: criteria provided, single submitter. Criteria: Invitae Variant Classification Sherloc (09022015). Collection method: clinical testing. Allele origin: germline.
Comment: This sequence change replaces arginine, which is basic and polar, with lysine, which is basic and polar, at codon 103 of the TMPO protein (p.Arg103Lys). This variant is present in population databases (no rsID available, gnomAD 0.0009%). This variant has not been reported in the literature in individuals affected with TMPO-related conditions. ClinVar contains an entry for this variant (Variation ID: 2447967). An algorithm developed to predict the effect of missense changes on protein structure and function (PolyPhen-2) suggests that this variant is likely to be tolerated. In summary, the available evidence is currently insufficient to determine the role of this variant in disease. Therefore, it has been classified as a Variant of Uncertain Significance.

Ambry Genetics
Classification: Uncertain significance. Last evaluated: 2023-01-29. Review status: criteria provided, single submitter. Criteria: Ambry Variant Classification Scheme 2023. Collection method: clinical testing. Allele origin: germline.
Comment: The p.R103K variant (also known as c.308G>A), located in coding exon 2 of the TMPO gene, results from a G to A substitution at nucleotide position 308. The arginine at codon 103 is replaced by lysine, an amino acid with highly similar properties. This amino acid position is conserved. In addition, the in silico prediction for this alteration is inconclusive. Since supporting evidence is limited at this time, the clinical significance of this alteration remains unclear.